The following is an entry in ClinVar:

NM_001145358.2(SIN3A):c.1855-13_1874inv

Gene: SIN3A (SIN3 transcription regulator family member A; minus strand). Cytogenetic location: 15q24.2.
Variant type: Inversion.
Coding change: c.1855-13_1874inv on transcript NM_001145358.2 (MANE Select).
Molecular consequence: splice acceptor variant.
Genome position: GRCh38: chr15:75,396,477-75,396,509. GRCh37 (hg19): chr15:75,688,818-75,688,850.
Other names: c.1855-13_1874inv (NM_001145357.2, NM_015477.3).
Identifiers: ClinVar variation 1348250 (VCV001348250.5), ClinGen allele CA2573151200.
Genomic context (GRCh38, chr15:75,396,477, plus strand): 5'-GCAGACAAGCGGGAAAGCTTCTTCTGTATTGCTTCCAGAACCCGGATTGTTGCCAGATTG[GTCTCTAAAACTACATCAAGCTGAAGAGGAAGA>TCTTCCTCTTCAGCTTGATGTAGTTTTAGAGAC]CAAAGAAGGGTATGCTCAGGACCCAAATCAAAATAGAATAGAGTAGTGTTTAGAAGAATA-3'

ClinVar aggregate classification (germline): Likely pathogenic (1 of 4 stars; one submission).

Submission:

Labcorp Genetics (formerly Invitae), Labcorp
Classification: Likely pathogenic. Last evaluated: 2021-04-02. Review status: criteria provided, single submitter. Criteria: Invitae Variant Classification Sherloc (09022015). Collection method: clinical testing. Allele origin: germline.
Comment: In summary, the currently available evidence indicates that the variant is pathogenic, but additional data are needed to prove that conclusively. Therefore, this variant has been classified as Likely Pathogenic. Algorithms developed to predict the effect of sequence changes on RNA splicing suggest that this variant may disrupt the consensus splice site, but this prediction has not been confirmed by published transcriptional studies. This variant has not been reported in the literature in individuals with SIN3A-related conditions. The frequency data for this variant in the population databases is not available, as this variant may be reported as separate entries in the ExAC database. This sequence change affects an acceptor splice site in intron 12 of the SIN3A gene. It is expected to disrupt RNA splicing. Variants that disrupt the donor or acceptor splice site typically lead to a loss of protein function (PMID: 16199547), and loss-of-function variants in SIN3A are known to be pathogenic (PMID: 27399968).

Literature cited by the submitters: PubMed 16199547; PubMed 27399968.